The following is an entry in ClinVar:

NM_000135.4(FANCA):c.660G>T (p.Gln220His)

Gene: FANCA (FA complementation group A; minus strand). Cytogenetic location: 16q24.3.
Variant type: single nucleotide variant.
Coding change: c.660G>T on transcript NM_000135.4 (MANE Select); coding-DNA position 660, G replaced by T.
Protein change: p.Gln220His; replaces glutamine 220 with histidine.
Molecular consequence: missense variant.
Genome position (GRCh38, 1-based): chr16:89,805,329, C>A on the plus strand (G>T on the coding strand, the complement: FANCA is on the minus strand). VCF-style: chr16-89805329-C-A. GRCh37 (hg19) VCF-style: chr16-89871737-C-A.
Other names: c.660G>T, p.Gln220His (NM_001286167.3, NM_001018112.3); c.564G>T, p.Gln188His (NM_001351830.2); short protein forms Q188H, Q220H.
Identifiers: ClinVar variation 5036306 (VCV005036306.1).

ClinVar aggregate classification (germline): Uncertain significance (1 of 4 stars; one submission).

Conditions:
Inborn genetic diseases. Identifiers: MedGen C0950123, MeSH D030342.

Submission:

Ambry Genetics
Classification: Uncertain significance for Inborn genetic diseases. Last evaluated: 2026-06-15. Review status: criteria provided, single submitter. Criteria: Ambry Variant Classification Scheme 2023. Collection method: clinical testing. Allele origin: germline.
Comment: The p.Q220H variant (also known as c.660G>T), located in coding exon 7 of the FANCA gene, results from a G to T substitution at nucleotide position 660. The glutamine at codon 220 is replaced by histidine, an amino acid with highly similar properties. This amino acid position is conserved. In addition, this alteration is predicted to be tolerated by in silico analysis. Based on the available evidence, the clinical significance of this variant remains unclear.